The following is an entry in ClinVar:

ClinVar aggregate classification (germline): Uncertain significance (1 of 4 stars; one submission).

Conditions:
Complex neurodevelopmental disorder. Identifiers: Orphanet 528084, MedGen C5568766, MONDO:0100038.

gnomAD v4.1: 4 of 1,606,048 alleles (0.00025%); highest among the groups gnomAD compares: African/African-American, 0.0013%; no homozygotes.

Submission:

Dasa
Classification: Uncertain significance for Complex neurodevelopmental disorder. Last evaluated: 2025-11-20. Review status: criteria provided, single submitter. Criteria: DASA Assertion Criteria. Collection method: clinical testing. Allele origin: germline.
Comment: NM_001348323.3(TRIP12):c.4415+9G>A is a splice-region variant. This variant is rare in population databases. Computational prediction algorithms are consistent with a benign effect. The currently available literature and clinical evidence are not sufficient to establish a definitive association between this variant and the reported condition. Therefore, this variant is classified as a variant of uncertain significance.

NM_001348323.3(TRIP12):c.4415+9G>A

Gene: TRIP12 (thyroid hormone receptor interactor 12; minus strand). Cytogenetic location: 2q36.3.
Variant type: single nucleotide variant.
Coding change: c.4415+9G>A on transcript NM_001348323.3 (MANE Select); 9 bases into the intron after coding-DNA position 4415, G replaced by A.
Molecular consequence: intron variant.
Genome position (GRCh38, 1-based): chr2:229,791,857, C>T on the plus strand (G>A on the coding strand, the complement: TRIP12 is on the minus strand). VCF-style: chr2-229791857-C-T. GRCh37 (hg19) VCF-style: chr2-230656573-C-T.
Other names: c.3380+9G>A (NM_001284216.2); c.4190+9G>A (NM_004238.3); c.4193+9G>A (NM_001348331.1); c.4274+9G>A (NM_001348317.1, NM_001348318.2); c.4289+9G>A (NM_001284215.2, NM_001348316.2); c.4313+9G>A (NM_001348332.1); c.4334+9G>A (NM_001284214.2, NM_001348315.2); c.4400+9G>A (NM_001348319.1, NM_001348320.2); and 4 more.
Identifiers: ClinVar variation 4882041 (VCV004882041.2).